The following is an entry in ClinVar:

ClinVar aggregate classification (germline): Likely benign. Review status: criteria provided, multiple submitters, no conflicts (2 of 4 stars). 2 submissions from 2 submitters: Likely benign (2). Last evaluated 2024-10-10.

Conditions:
Developmental and epileptic encephalopathy, 25 (DEE25). Also called: Epileptic encephalopathy, early infantile, 25; Developmental and epileptic encephalopathy 25, with amelogenesis imperfecta; Epileptic encephalopathy, early infantile, 25, with amelogenesis imperfecta. Identifiers: Orphanet 442835, MedGen C4014621, MONDO:0014392, OMIM 615905.

Allele frequency attached by ClinVar (database versions not stated): gnomAD exomes below 0.00001; TOPMed below 0.00001; ExAC 0.00001; gnomAD 0.00001.
gnomAD v4.1: 13 of 1,614,048 alleles (0.00081%); highest among the groups gnomAD compares: Non-Finnish European, 0.0011%; no homozygotes.

Submissions (2):

Labcorp Genetics (formerly Invitae), Labcorp
Classification: Likely benign for Developmental and epileptic encephalopathy, 25. Last evaluated: 2024-10-10. Review status: criteria provided, single submitter. Criteria: Invitae Variant Classification Sherloc (09022015). Collection method: clinical testing. Allele origin: germline.

GeneDx
Classification: Likely benign. Last evaluated: 2016-03-09. Review status: criteria provided, single submitter. Criteria: GeneDx Variant Classification (06012015). Collection method: clinical testing. Allele origin: germline. Affected: yes.
Comment: This variant is considered likely benign or benign based on one or more of the following criteria: it is a conservative change, it occurs at a poorly conserved position in the protein, it is predicted to be benign by multiple in silico algorithms, and/or has population frequency not consistent with disease.

NM_177550.5(SLC13A5):c.1629T>C (p.Ala543=)

Gene: SLC13A5 (solute carrier family 13 member 5; minus strand). Cytogenetic location: 17p13.1.
Variant type: single nucleotide variant.
Coding change: c.1629T>C on transcript NM_177550.5 (MANE Select); coding-DNA position 1629, T replaced by C.
Protein change: p.Ala543=; no amino-acid change (alanine 543 retained).
Molecular consequence: synonymous variant.
Genome position (GRCh38, 1-based): chr17:6,686,285, A>G on the plus strand (T>C on the coding strand, the complement: SLC13A5 is on the minus strand). VCF-style: chr17-6686285-A-G. GRCh37 (hg19) VCF-style: chr17-6589604-A-G.
Other names: c.1491T>C, p.Ala497= (NM_001143838.3); c.1578T>C, p.Ala526= (NM_001284509.2); c.1500T>C, p.Ala500= (NM_001284510.2).
Identifiers: ClinVar variation 384138 (VCV000384138.9), dbSNP rs766561824, ClinGen allele CA8331305.